The following is an entry in ClinVar:

NM_001354712.2(THRB):c.*4189G>C

Gene: THRB (thyroid hormone receptor beta; minus strand). Cytogenetic location: 3p24.2.
Variant type: single nucleotide variant.
Coding change: c.*4189G>C on transcript NM_001354712.2 (MANE Select); 4189 bases downstream of the stop codon, G replaced by C.
Molecular consequence: 3 prime UTR variant.
Genome position (GRCh38, 1-based): chr3:24,118,695, C>G on the plus strand (G>C on the coding strand, the complement: THRB is on the minus strand). VCF-style: chr3-24118695-C-G. GRCh37 (hg19) VCF-style: chr3-24160186-C-G.
Other names: c.*4189G>C (NM_000461.5, NM_001128176.3, NM_001128177.2 and 8 more transcripts).
Identifiers: ClinVar variation 344560 (VCV000344560.5), dbSNP rs575525867, ClinGen allele CA10618306.
Genomic context (GRCh38, chr3:24,118,695, plus strand): 5'-GTCACATCAGCTCATTCATGCCCTGATAATTTCTGTATCAACAATACATATGTAAAGTGT[C>G]TCCTTTTGTCTTACATTGTGCTCCATAATTTACATGAGTATTATCTGCATCCTGAGGAGG-3'

ClinVar aggregate classification (germline): Benign (1 of 4 stars; one submission).

Conditions:
Thyroid hormone resistance, generalized, autosomal dominant (GRTHD). Also called: HYPERTHYROXINEMIA, FAMILIAL EUTHYROID, SECONDARY TO PITUITARY AND PERIPHERAL RESISTANCE TO THYROID HORMONES. Identifiers: MedGen C2937288, MONDO:0008569, OMIM 188570.

Allele frequency attached by ClinVar (database versions not stated): gnomAD 0.00001 and 0.00048; TOPMed 0.00011; 1000 Genomes Project 30x 0.00281; 1000 Genomes Project 0.00300.

Submission:

Illumina Laboratory Services, Illumina
Classification: Benign for Thyroid hormone resistance, generalized, autosomal dominant. Last evaluated: 2018-01-13. Review status: criteria provided, single submitter. Criteria: ICSL Variant Classification Criteria 13 December 2019. Collection method: clinical testing. Allele origin: germline.
Comment: This variant was observed in the ICSL laboratory as part of a predisposition screen in an ostensibly healthy population. It had not been previously curated by ICSL or reported in the Human Gene Mutation Database (HGMD: prior to June 1st, 2018), and was therefore a candidate for classification through an automated scoring system. Utilizing variant allele frequency, disease prevalence and penetrance estimates, and inheritance mode, an automated score was calculated to assess if this variant is too frequent to cause the disease. Based on the score and internal cut-off values, a variant classified as benign is not then subjected to further curation. The score for this variant resulted in a classification of benign for this disease.